The following is an entry in ClinVar:

NM_001130009.3(GEN1):c.2711G>C (p.Arg904Thr)

Gene: GEN1 (GEN1 Holliday junction 5' flap endonuclease; plus strand). Cytogenetic location: 2p24.2.
Variant type: single nucleotide variant.
Coding change: c.2711G>C on transcript NM_001130009.3 (MANE Select); coding-DNA position 2711, G replaced by C.
Protein change: p.Arg904Thr; replaces arginine 904 with threonine.
Molecular consequence: missense variant.
Genome position (GRCh38, 1-based): chr2:17,781,923, G>C. VCF-style: chr2-17781923-G-C. GRCh37 (hg19) VCF-style: chr2-17963190-G-C.
Other names: c.2711G>C, p.Arg904Thr (NM_182625.5); short protein forms R904T.
Identifiers: ClinVar variation 3853484 (VCV003853484.1).

ClinVar aggregate classification (germline): Uncertain significance (1 of 4 stars; one submission).

gnomAD v4.1: 1 of 1,550,700 alleles (0.000064%); highest among the groups gnomAD compares: South Asian, 0.0012%; no homozygotes.

Submission:

Ambry Genetics
Classification: Uncertain significance. Last evaluated: 2025-01-05. Review status: criteria provided, single submitter. Criteria: Ambry Variant Classification Scheme 2023. Collection method: clinical testing. Allele origin: germline.
Comment: The p.R904T variant (also known as c.2711G>C), located in coding exon 13 of the GEN1 gene, results from a G to C substitution at nucleotide position 2711. The arginine at codon 904 is replaced by threonine, an amino acid with similar properties. This amino acid position is conserved. In addition, the in silico prediction for this alteration is inconclusive. Based on the available evidence, the clinical significance of this variant remains unclear.